The following is an entry in ClinVar:

NM_005633.4(SOS1):c.1374G>C (p.Glu458Asp)

Gene: SOS1 (SOS Ras/Rac guanine nucleotide exchange factor 1; minus strand). Cytogenetic location: 2p22.1.
Variant type: single nucleotide variant.
Coding change: c.1374G>C on transcript NM_005633.4 (MANE Select); coding-DNA position 1374, G replaced by C.
Protein change: p.Glu458Asp; replaces glutamic acid 458 with aspartic acid.
Molecular consequence: missense variant.
Genome position (GRCh38, 1-based): chr2:39,023,054, C>G on the plus strand (G>C on the coding strand, the complement: SOS1 is on the minus strand). VCF-style: chr2-39023054-C-G. GRCh37 (hg19) VCF-style: chr2-39250195-C-G.
Other names: c.1353G>C, p.Glu451Asp (NM_001382394.1); c.1374G>C, p.Glu458Asp (NM_001382395.1); short protein forms E458D, E451D.
Identifiers: ClinVar variation 280922 (VCV000280922.2), dbSNP rs886042040, ClinGen allele CA10602848.

ClinVar aggregate classification (germline): Uncertain significance (1 of 4 stars; one submission).

Allele frequency attached by ClinVar (database versions not stated): gnomAD exomes below 0.00001.
gnomAD v4.1: 3 of 1,613,738 alleles (0.00019%); highest among the groups gnomAD compares: Non-Finnish European, 0.00025%; no homozygotes.

Submission:

GeneDx
Classification: Uncertain significance. Last evaluated: 2017-05-22. Review status: criteria provided, single submitter. Criteria: GeneDx Variant Classification (06012015). Collection method: clinical testing. Allele origin: germline. Affected: yes.
Comment: The E458D variant in the SOS1 gene has not been reported previously as a pathogenic variant, nor as a benign variant, to our knowledge. The E458D variant was not observed in approximately 6,500 individuals of European and African American ancestry in the NHLBI Exome Sequencing Project, indicating it is not a common benign variant in these populations. The E458D variant is a conservative amino acid substitution, which is not likely to impact secondary protein structure as these residues share similar properties. This substitution occurs at a position that is conserved across species. In silico analysis is inconsistent in its predictions as to whether or not the variant is damaging to the protein structure/function. We interpret E458D as a variant of uncertain significance.